The following is an entry in ClinVar:

NM_013432.5(TONSL):c.1767C>T (p.Asp589=)

Genes: TONSL (tonsoku like, DNA repair protein; minus strand), TONSL-AS1 (TONSL antisense RNA 1; plus strand). Cytogenetic location: 8q24.3.
Variant type: single nucleotide variant.
Coding change: c.1767C>T on transcript NM_013432.5 (MANE Select); coding-DNA position 1767, C replaced by T.
Protein change: p.Asp589=; no amino-acid change (aspartic acid 589 retained).
Molecular consequence: synonymous variant. On other transcripts: non-coding transcript variant (1).
Genome position (GRCh38, 1-based): chr8:144,436,880, G>A on the plus strand (C>T on the coding strand, the complement: TONSL is on the minus strand). VCF-style: chr8-144436880-G-A. GRCh37 (hg19) VCF-style: chr8-145662263-G-A.
Identifiers: ClinVar variation 1170084 (VCV001170084.21), dbSNP rs147487703, ClinGen allele CA4943053.

ClinVar aggregate classification (germline): Benign/Likely benign. Review status: criteria provided, multiple submitters, no conflicts (2 of 4 stars). 3 submissions from 3 submitters: Benign (2); Likely benign (1). Last evaluated 2026-02-02.

Allele frequency attached by ClinVar (database versions not stated): ESP Exome Variant Server 0.00177; TOPMed 0.00263; 1000 Genomes Project 30x 0.00344; gnomAD exomes 0.00350 and 0.00488; 1000 Genomes Project 0.00359; gnomAD 0.00383 and 0.00407; ExAC 0.00520.
gnomAD v4.1: 5,729 of 1,609,176 alleles (0.36%); highest among the groups gnomAD compares: East Asian, 1.3%; 30 homozygotes.

Submissions (3):

Labcorp Genetics (formerly Invitae), Labcorp
Classification: Benign. Last evaluated: 2026-02-02. Review status: criteria provided, single submitter. Criteria: Invitae Variant Classification Sherloc (09022015). Collection method: clinical testing. Allele origin: germline.

CeGaT Center for Human Genetics Tuebingen
Classification: Likely benign. Last evaluated: 2024-11-01. Review status: criteria provided, single submitter. Criteria: CeGaT Center For Human Genetics Tuebingen Variant Classification Criteria Version 2. Collection method: clinical testing. Allele origin: germline. Affected: yes. Observed: 1 variant allele.
Comment: TONSL: BP4, BP7, BS1

Breakthrough Genomics
Classification: Benign. Review status: criteria provided, single submitter. Criteria: ACMG Guidelines, 2015. Collection method: not provided. Allele origin: germline. Inheritance: Autosomal recessive inheritance. Affected: yes.